The following is an entry in ClinVar:

NM_000051.4(ATM):c.597T>G (p.Cys199Trp)

Gene: ATM (ATM serine/threonine kinase; plus strand). Cytogenetic location: 11q22.3.
Variant type: single nucleotide variant.
Coding change: c.597T>G on transcript NM_000051.4 (MANE Select); coding-DNA position 597, T replaced by G.
Protein change: p.Cys199Trp; replaces cysteine 199 with tryptophan.
Molecular consequence: missense variant.
Genome position (GRCh38, 1-based): chr11:108,244,053, T>G. VCF-style: chr11-108244053-T-G. GRCh37 (hg19) VCF-style: chr11-108114780-T-G.
Other names: c.597T>G, p.Cys199Trp (NM_001351834.2); short protein forms C199W.
Identifiers: ClinVar variation 826090 (VCV000826090.6), dbSNP rs1565369633, ClinGen allele CA382528069.

ClinVar aggregate classification (germline): Uncertain significance. Review status: criteria provided, multiple submitters, no conflicts (2 of 4 stars). 2 submissions from 2 submitters: Uncertain significance (2). Last evaluated 2024-10-01.

Conditions:
Ataxia-telangiectasia syndrome (AT). Also called: ATAXIA-TELANGIECTASIA, COMPLEMENTATION GROUP A; ATAXIA-TELANGIECTASIA, FRESNO VARIANT; Ataxia-telangiectasia, complementation group E; Ataxia telangiectasia (A-T); LOUIS-BAR SYNDROME; Cerebello-oculocutaneous telangiectasia. Identifiers: Orphanet 100, MedGen C0004135, MONDO:0008840, OMIM 208900.
Hereditary cancer-predisposing syndrome. Also called: Neoplastic Syndromes, Hereditary; Hereditary Cancer Syndrome; Hereditary neoplastic syndrome; Tumor predisposition. Identifiers: Orphanet 140162, MedGen C0027672, MeSH D009386, MONDO:0015356.

Submissions (2):

Ambry Genetics
Classification: Uncertain significance for Hereditary cancer-predisposing syndrome. Last evaluated: 2024-10-01. Review status: criteria provided, single submitter. Criteria: Ambry Variant Classification Scheme 2023. Collection method: clinical testing. Allele origin: germline.
Comment: The p.C199W variant (also known as c.597T>G), located in coding exon 5 of the ATM gene, results from a T to G substitution at nucleotide position 597. The cysteine at codon 199 is replaced by tryptophan, an amino acid with highly dissimilar properties. This amino acid position is highly conserved in available vertebrate species. In addition, the in silico prediction for this alteration is inconclusive. Based on the available evidence, the clinical significance of this variant remains unclear.

Labcorp Genetics (formerly Invitae), Labcorp
Classification: Uncertain significance for Ataxia-telangiectasia syndrome. Last evaluated: 2022-10-29. Review status: criteria provided, single submitter. Criteria: Invitae Variant Classification Sherloc (09022015). Collection method: clinical testing. Allele origin: germline.
Comment: In summary, the available evidence is currently insufficient to determine the role of this variant in disease. Therefore, it has been classified as a Variant of Uncertain Significance. Algorithms developed to predict the effect of missense changes on protein structure and function are either unavailable or do not agree on the potential impact of this missense change (SIFT: "Deleterious"; PolyPhen-2: "Probably Damaging"; Align-GVGD: "Class C15"). ClinVar contains an entry for this variant (Variation ID: 826090). This variant has not been reported in the literature in individuals affected with ATM-related conditions. This variant is not present in population databases (gnomAD no frequency). This sequence change replaces cysteine, which is neutral and slightly polar, with tryptophan, which is neutral and slightly polar, at codon 199 of the ATM protein (p.Cys199Trp).